The following is an entry in ClinVar:

ClinVar aggregate classification (germline): Uncertain significance. Review status: criteria provided, multiple submitters, no conflicts (2 of 4 stars). 2 submissions from 2 submitters: Uncertain significance (2). Last evaluated 2025-11-06.

Conditions:
Inborn genetic diseases. Identifiers: MedGen C0950123, MeSH D030342.

gnomAD v4.1: 4 of 1,614,170 alleles (0.00025%); highest among the groups gnomAD compares: African/African-American, 0.0013%; no homozygotes.

Submissions (2):

Ambry Genetics
Classification: Uncertain significance for Inborn genetic diseases. Last evaluated: 2025-11-06. Review status: criteria provided, single submitter. Criteria: Ambry Variant Classification Scheme 2023. Collection method: clinical testing. Allele origin: germline.

Labcorp Genetics (formerly Invitae), Labcorp
Classification: Uncertain significance. Last evaluated: 2024-07-25. Review status: criteria provided, single submitter. Criteria: Invitae Variant Classification Sherloc (09022015). Collection method: clinical testing. Allele origin: germline.
Comment: This sequence change replaces arginine, which is basic and polar, with tryptophan, which is neutral and slightly polar, at codon 48 of the KCNJ6 protein (p.Arg48Trp). This variant is present in population databases (rs767281736, gnomAD 0.007%). This variant has not been reported in the literature in individuals affected with KCNJ6-related conditions. An algorithm developed to predict the effect of missense changes on protein structure and function (PolyPhen-2) suggests that this variant is likely to be tolerated. In summary, the available evidence is currently insufficient to determine the role of this variant in disease. Therefore, it has been classified as a Variant of Uncertain Significance.

NM_002240.5(KCNJ6):c.142C>T (p.Arg48Trp)

Genes: KCNJ6 (potassium inwardly rectifying channel subfamily J member 6; minus strand), KCNJ6-AS1 (KCNJ6 antisense RNA 1; plus strand). Cytogenetic location: 21q22.13.
Variant type: single nucleotide variant.
Coding change: c.142C>T on transcript NM_002240.5 (MANE Select); coding-DNA position 142, C replaced by T.
Protein change: p.Arg48Trp; replaces arginine 48 with tryptophan.
Molecular consequence: missense variant. On other transcripts: non-coding transcript variant (1).
Genome position (GRCh38, 1-based): chr21:37,715,015, G>A on the plus strand (C>T on the coding strand, the complement: KCNJ6 is on the minus strand). VCF-style: chr21-37715015-G-A. GRCh37 (hg19) VCF-style: chr21-39087318-G-A.
Other names: c.142C>T (NM_002240.2); short protein forms R48W.
Identifiers: ClinVar variation 3621996 (VCV003621996.3).